The following is an entry in ClinVar:

ClinVar aggregate classification (germline): Uncertain significance. Review status: criteria provided, multiple submitters, no conflicts (2 of 4 stars). 2 submissions from 2 submitters: Uncertain significance (2). Last evaluated 2025-12-26.

Allele frequency attached by ClinVar (database versions not stated): ExAC 0.00002; gnomAD exomes 0.00002 and 0.00003; gnomAD 0.00008 and 0.00009; 1000 Genomes Project 30x 0.00016; 1000 Genomes Project 0.00020.
gnomAD v4.1: 48 of 1,613,826 alleles (0.003%); highest among the groups gnomAD compares: African/African-American, 0.025%; no homozygotes.

Submissions (2):

Women's Health and Genetics/Laboratory Corporation of America, LabCorp
Classification: Uncertain significance. Last evaluated: 2025-12-26. Review status: criteria provided, single submitter. Criteria: LabCorp Variant Classification Summary - May 2015. Collection method: clinical testing. Allele origin: germline.
Comment: Variant summary: C1S c.1147C>T (p.Arg383Cys) results in a non-conservative amino acid change in the encoded protein sequence. Algorithms developed to predict the effect of missense changes on protein structure and function are either unavailable or do not agree on the potential impact of this missense change. The variant allele was found at a frequency of 3.2e-05 in 251418 control chromosomes. The available data on variant occurrences in the general population are insufficient to allow any conclusion about variant significance. To our knowledge, no occurrence of c.1147C>T in individuals affected with C1S-related conditions and no experimental evidence demonstrating its impact on protein function have been reported. ClinVar contains an entry for this variant (Variation ID: 1462862). Based on the evidence outlined above, the variant was classified as uncertain significance.

Labcorp Genetics (formerly Invitae), Labcorp
Classification: Uncertain significance. Last evaluated: 2025-12-24. Review status: criteria provided, single submitter. Criteria: Invitae Variant Classification Sherloc (09022015). Collection method: clinical testing. Allele origin: germline.
Comment: This sequence change replaces arginine, which is basic and polar, with cysteine, which is neutral and slightly polar, at codon 383 of the C1S protein (p.Arg383Cys). This variant is present in population databases (rs782776907, gnomAD 0.02%). This variant has not been reported in the literature in individuals affected with C1S-related conditions. ClinVar contains an entry for this variant (Variation ID: 1462862). Invitae Evidence Modeling of protein sequence and biophysical properties (such as structural, functional, and spatial information, amino acid conservation, physicochemical variation, residue mobility, and thermodynamic stability) indicates that this missense variant is not expected to disrupt C1S protein function with a negative predictive value of 80%. In summary, the available evidence is currently insufficient to determine the role of this variant in disease. Therefore, it has been classified as a Variant of Uncertain Significance.

NM_001734.5(C1S):c.1147C>T (p.Arg383Cys)

Gene: C1S (complement C1s; plus strand). Cytogenetic location: 12p13.31.
Variant type: single nucleotide variant.
Coding change: c.1147C>T on transcript NM_001734.5 (MANE Select); coding-DNA position 1147, C replaced by T.
Protein change: p.Arg383Cys; replaces arginine 383 with cysteine.
Molecular consequence: missense variant.
Genome position (GRCh38, 1-based): chr12:7,067,723, C>T. VCF-style: chr12-7067723-C-T. GRCh37 (hg19) VCF-style: chr12-7175027-C-T.
Other names: c.646C>T, p.Arg216Cys (NM_001346850.2); c.1147C>T, p.Arg383Cys (NM_201442.4); short protein forms R383C, R216C.
Identifiers: ClinVar variation 1462862 (VCV001462862.10), dbSNP rs782776907, ClinGen allele CA6423686.